The following is an entry in ClinVar:

ClinVar aggregate classification (germline): Uncertain significance (1 of 4 stars; one submission).

Allele frequency attached by ClinVar (database versions not stated): gnomAD 0.00001; gnomAD exomes 0.00001.
gnomAD v4.1: 5 of 1,613,892 alleles (0.00031%); highest among the groups gnomAD compares: East Asian, 0.0089%; no homozygotes.

Submission:

Ambry Genetics
Classification: Uncertain significance. Last evaluated: 2021-06-21. Review status: criteria provided, single submitter. Criteria: Ambry Variant Classification Scheme 2023. Collection method: clinical testing. Allele origin: germline.
Comment: The p.I1409V variant (also known as c.4225A>G), located in coding exon 16 of the POLQ gene, results from an A to G substitution at nucleotide position 4225. The isoleucine at codon 1409 is replaced by valine, an amino acid with highly similar properties. This amino acid position is conserved. In addition, this alteration is predicted to be tolerated by in silico analysis. Since supporting evidence is limited at this time, the clinical significance of this alteration remains unclear.

NM_199420.4(POLQ):c.4225A>G (p.Ile1409Val)

Gene: POLQ (DNA polymerase theta; minus strand). Cytogenetic location: 3q13.33.
Variant type: single nucleotide variant.
Coding change: c.4225A>G on transcript NM_199420.4 (MANE Select); coding-DNA position 4225, A replaced by G.
Protein change: p.Ile1409Val; replaces isoleucine 1409 with valine.
Molecular consequence: missense variant.
Genome position (GRCh38, 1-based): chr3:121,488,706, T>C on the plus strand (A>G on the coding strand, the complement: POLQ is on the minus strand). VCF-style: chr3-121488706-T-C. GRCh37 (hg19) VCF-style: chr3-121207553-T-C.
Other names: short protein forms I1409V.
Identifiers: ClinVar variation 1738854 (VCV001738854.2), dbSNP rs1239900236, ClinGen allele CA354095697.